The following is an entry in ClinVar:

NM_001776.6(ENTPD1):c.374C>A (p.Pro125His)

Genes: ENTPD1 (ectonucleoside triphosphate diphosphohydrolase 1; plus strand), ENTPD1-AS1 (ENTPD1 antisense RNA 1; minus strand). Cytogenetic location: 10q24.1.
Variant type: single nucleotide variant.
Coding change: c.374C>A on transcript NM_001776.6 (MANE Select); coding-DNA position 374, C replaced by A.
Protein change: p.Pro125His; replaces proline 125 with histidine.
Molecular consequence: missense variant. On other transcripts: non-coding transcript variant (1), intron variant (3).
Genome position (GRCh38, 1-based): chr10:95,842,455, C>A. VCF-style: chr10-95842455-C-A. GRCh37 (hg19) VCF-style: chr10-97602212-C-A.
Other names: c.410C>A, p.Pro137His (NM_001440935.1, NM_001440936.1, NM_001164178.1 and 1 more transcripts); c.374C>A, p.Pro125His (NM_001440937.1, NM_001164179.2); c.50C>A, p.Pro17His (NM_001440938.1, NM_001440939.1, NM_001440940.1 and 3 more transcripts); c.-1-2021C>A (NM_001440941.1, NM_001164182.2, NM_001164183.2); c.395C>A, p.Pro132His (NM_001098175.2, NM_001440933.1, NM_001440934.1); c.452C>A, p.Pro151His (NM_001440932.1); short protein forms P125H, P132H, P137H, P151H, P17H.
Identifiers: ClinVar variation 4741915 (VCV004741915.1).

ClinVar aggregate classification (germline): Uncertain significance (1 of 4 stars; one submission).

Conditions:
Hereditary spastic paraplegia 64. Also called: Spastic paraplegia 64, autosomal recessive; ENTPD1-Related Neurodevelopmental Disorder. Identifiers: Orphanet 401810, MedGen C3810289, MONDO:0014303, OMIM 615683.

Submission:

Labcorp Genetics (formerly Invitae), Labcorp
Classification: Uncertain significance for Hereditary spastic paraplegia 64. Last evaluated: 2025-11-26. Review status: criteria provided, single submitter. Criteria: Invitae Variant Classification Sherloc (09022015). Collection method: clinical testing. Allele origin: germline.
Comment: This sequence change replaces proline, which is neutral and non-polar, with histidine, which is basic and polar, at codon 125 of the ENTPD1 protein (p.Pro125His). This variant is not present in population databases (gnomAD no frequency). This variant has not been reported in the literature in individuals affected with ENTPD1-related conditions. Invitae Evidence Modeling of protein sequence and biophysical properties (such as structural, functional, and spatial information, amino acid conservation, physicochemical variation, residue mobility, and thermodynamic stability) indicates that this missense variant is expected to disrupt ENTPD1 protein function with a positive predictive value of 80%. In summary, the available evidence is currently insufficient to determine the role of this variant in disease. Therefore, it has been classified as a Variant of Uncertain Significance.